The following is an entry in ClinVar:

ClinVar aggregate classification (germline): Uncertain significance (1 of 4 stars; one submission).

Submission:

Labcorp Genetics (formerly Invitae), Labcorp
Classification: Uncertain significance. Last evaluated: 2024-07-08. Review status: criteria provided, single submitter. Criteria: Invitae Variant Classification Sherloc (09022015). Collection method: clinical testing. Allele origin: germline.
Comment: This sequence change replaces valine, which is neutral and non-polar, with methionine, which is neutral and non-polar, at codon 74 of the AMHR2 protein (p.Val74Met). This variant is present in population databases (no rsID available, gnomAD 0.009%). This missense change has been observed in individual(s) with clinical features of persistent Mullerian duct syndrome (Invitae). In at least one individual the data is consistent with being in trans (on the opposite chromosome) from a pathogenic variant. Advanced modeling of protein sequence and biophysical properties (such as structural, functional, and spatial information, amino acid conservation, physicochemical variation, residue mobility, and thermodynamic stability) performed at Invitae indicates that this missense variant is not expected to disrupt AMHR2 protein function with a negative predictive value of 80%. In summary, the available evidence is currently insufficient to determine the role of this variant in disease. Therefore, it has been classified as a Variant of Uncertain Significance.

NM_020547.3(AMHR2):c.220G>A (p.Val74Met)

Gene: AMHR2 (anti-Mullerian hormone receptor type 2; plus strand). Cytogenetic location: 12q13.13.
Variant type: single nucleotide variant.
Coding change: c.220G>A on transcript NM_020547.3 (MANE Select); coding-DNA position 220, G replaced by A.
Protein change: p.Val74Met; replaces valine 74 with methionine.
Molecular consequence: missense variant.
Genome position (GRCh38, 1-based): chr12:53,424,458, G>A. VCF-style: chr12-53424458-G-A. GRCh37 (hg19) VCF-style: chr12-53818242-G-A.
Other names: c.220G>A, p.Val74Met (NM_001164690.2, NM_001164691.2); short protein forms V74M.
Identifiers: ClinVar variation 3694644 (VCV003694644.2).